The following is an entry in ClinVar:

NM_004006.3(DMD):c.2272G>T (p.Asp758Tyr)

Gene: DMD (dystrophin; minus strand). Cytogenetic location: Xp21.1.
Variant type: single nucleotide variant.
Coding change: c.2272G>T on transcript NM_004006.3 (MANE Select); coding-DNA position 2272, G replaced by T.
Protein change: p.Asp758Tyr; replaces aspartic acid 758 with tyrosine.
Molecular consequence: missense variant.
Genome position (GRCh38, 1-based): chrX:32,518,028, C>A on the plus strand (G>T on the coding strand, the complement: DMD is on the minus strand). VCF-style: chrX-32518028-C-A. GRCh37 (hg19) VCF-style: chrX-32536145-C-A.
Other names: c.2248G>T, p.Asp750Tyr (NM_000109.4); c.2260G>T, p.Asp754Tyr (NM_004009.3); c.1903G>T, p.Asp635Tyr (NM_004010.3); short protein forms D758Y, D750Y, D754Y, D635Y.
Identifiers: ClinVar variation 1981492 (VCV001981492.4), dbSNP rs1426562198, ClinGen allele CA412663717.
Genomic context (GRCh38, chrX:32,518,028, plus strand): 5'-ACAAAATGAGTACAGATATAAAAATTAATGCATAACCTACATTGACTTTTTCTTTTAAGT[C>A]TGAGAAGTTGCCTTCCTTCCGAAAGATTGCAAATTCAGGACTCTGCAACACAGCTTCTGA-3'
Protein context (NP_003997.2, residues 748-768): AIFRKEGNFS[Asp758Tyr]LKEKVNAIER

ClinVar aggregate classification (germline): Uncertain significance (1 of 4 stars; one submission).

Conditions:
Duchenne muscular dystrophy (DMD). Also called: MUSCULAR DYSTROPHY, PSEUDOHYPERTROPHIC PROGRESSIVE, DUCHENNE TYPE; Duchenne Muscular Dystrophy (DMD). Identifiers: Orphanet 98896, MedGen C0013264, MONDO:0010679, OMIM 310200.

gnomAD v4.1: 1 of 1,210,589 alleles (0.000083%); highest among the groups gnomAD compares: African/African-American, 0.0017%; no homozygotes.

Submission:

Labcorp Genetics (formerly Invitae), Labcorp
Classification: Uncertain significance for Duchenne muscular dystrophy. Last evaluated: 2025-12-09. Review status: criteria provided, single submitter. Criteria: Invitae Variant Classification Sherloc (09022015). Collection method: clinical testing. Allele origin: germline.
Comment: This sequence change replaces aspartic acid, which is acidic and polar, with tyrosine, which is neutral and polar, at codon 758 of the DMD protein (p.Asp758Tyr). This variant is not present in population databases (gnomAD no frequency). This variant has not been reported in the literature in individuals affected with DMD-related conditions. ClinVar contains an entry for this variant (Variation ID: 1981492). Invitae Evidence Modeling of protein sequence and biophysical properties (such as structural, functional, and spatial information, amino acid conservation, physicochemical variation, residue mobility, and thermodynamic stability) indicates that this missense variant is not expected to disrupt DMD protein function with a negative predictive value of 95%. In summary, the available evidence is currently insufficient to determine the role of this variant in disease. Therefore, it has been classified as a Variant of Uncertain Significance.